The following is an entry in ClinVar:

ClinVar aggregate classification (germline): Likely benign. Review status: criteria provided, multiple submitters, no conflicts (2 of 4 stars). 4 submissions from 4 submitters: Likely benign (3). 1 of the submissions does not count toward it. Last evaluated 2026-02-01.

Conditions:
Primary ciliary dyskinesia. Also called: Ciliary dyskinesia. Identifiers: Orphanet 244, MedGen C0008780, MONDO:0016575, HP:0012265.
DNAAF1-related disorder. Also called: DNAAF1-related condition.

Allele frequency attached by ClinVar (database versions not stated): ExAC 0.00045; gnomAD 0.00086; TOPMed 0.00099; 1000 Genomes Project 0.00120; 1000 Genomes Project 30x 0.00172.
gnomAD v4.1: 318 of 1,548,642 alleles (0.021%); highest among the groups gnomAD compares: African/African-American, 0.4%; 1 homozygote.

Submissions (4):

Labcorp Genetics (formerly Invitae), Labcorp
Classification: Likely benign for Primary ciliary dyskinesia. Last evaluated: 2026-02-01. Review status: criteria provided, single submitter. Criteria: Invitae Variant Classification Sherloc (09022015). Collection method: clinical testing. Allele origin: germline.

Mayo Clinic Laboratories, Mayo Clinic
Classification: Likely benign. Last evaluated: 2025-10-18. Review status: criteria provided, single submitter. Criteria: ACMG Guidelines, 2015. Collection method: clinical testing. Allele origin: germline. Observed: 2 variant alleles.
Comment: BS2_supporting, BP4

Ambry Genetics
Classification: Likely benign for Primary ciliary dyskinesia. Last evaluated: 2018-01-16. Review status: criteria provided, single submitter. Criteria: Ambry Variant Classification Scheme 2023. Collection method: clinical testing. Allele origin: germline.

PreventionGenetics, part of Exact Sciences
Classification: Likely benign for DNAAF1-related condition. Last evaluated: 2022-07-06. Review status: no assertion criteria provided. Collection method: clinical testing. Allele origin: germline. Not counted in ClinVar's aggregate classification.
Comment: This variant is classified as likely benign based on ACMG/AMP sequence variant interpretation guidelines (Richards et al. 2015 PMID: 25741868, with internal and published modifications).

NM_178452.6(DNAAF1):c.113G>C (p.Gly38Ala)

Gene: DNAAF1 (dynein axonemal assembly factor 1; plus strand). Cytogenetic location: 16q24.1.
Variant type: single nucleotide variant.
Coding change: c.113G>C on transcript NM_178452.6 (MANE Select); coding-DNA position 113, G replaced by C.
Protein change: p.Gly38Ala; replaces glycine 38 with alanine.
Molecular consequence: missense variant.
Genome position (GRCh38, 1-based): chr16:84,145,553, G>C. VCF-style: chr16-84145553-G-C. GRCh37 (hg19) VCF-style: chr16-84179158-G-C.
Other names: p.Gly38Ala; c.113G>C (NM_178452.5); short protein forms G38A.
Identifiers: ClinVar variation 525492 (VCV000525492.17), dbSNP rs200992452, ClinGen allele CA8202347.